The following is an entry in ClinVar:

ClinVar aggregate classification (germline): Conflicting classifications of pathogenicity. Review status: criteria provided, conflicting classifications (1 of 4 stars). 10 submissions from 10 submitters: Uncertain significance (6); Likely benign (2). 2 of the submissions do not count toward it. Last evaluated 2025-12-01.

Conditions:
Hereditary breast ovarian cancer syndrome. Also called: Hereditary breast and ovarian cancer syndrome; Hereditary breast and ovarian cancer; Hereditary breast and ovarian cancer syndrome (HBOC); Breast and ovarian cancer; Hereditary breast and/or ovarian cancer syndrome; BRCA1- and BRCA2-Associated Hereditary Breast and Ovarian Cancer. Identifiers: Orphanet 145, MedGen C0677776, MeSH D061325, MONDO:0003582. Disease mechanism: loss of function.
Familial cancer of breast. Also called: BREAST CANCER, FAMILIAL; Hereditary breast cancer; hereditary breast carcinoma. Identifiers: Orphanet 227535, MedGen C0346153, MONDO:0016419, OMIM 114480. Disease mechanism: loss of function.
Hereditary cancer-predisposing syndrome. Also called: Neoplastic Syndromes, Hereditary; Tumor predisposition; Hereditary neoplastic syndrome; Hereditary Cancer Syndrome. Identifiers: Orphanet 140162, MedGen C0027672, MeSH D009386, MONDO:0015356.
Breast-ovarian cancer, familial, susceptibility to, 2 (BROVCA2). Also called: BRCA2 Hereditary Breast and Ovarian Cancer. Identifiers: Orphanet 145, MedGen C2675520, MONDO:0012933, OMIM 612555. Disease mechanism: loss of function.

Allele frequency attached by ClinVar (database versions not stated): gnomAD below 0.00001 and 0.00001; gnomAD exomes 0.00001 and 0.00004; TOPMed 0.00001; ExAC 0.00006.
gnomAD v4.1: 17 of 1,612,742 alleles (0.0011%); highest among the groups gnomAD compares: South Asian, 0.011%; no homozygotes.

Submissions (10):

Labcorp Genetics (formerly Invitae), Labcorp
Classification: Likely benign for Hereditary breast ovarian cancer syndrome. Last evaluated: 2025-12-01. Review status: criteria provided, single submitter. Criteria: Invitae Variant Classification Sherloc (09022015). Collection method: clinical testing. Allele origin: germline.

Quest Diagnostics Nichols Institute San Juan Capistrano
Classification: Uncertain significance. Last evaluated: 2024-11-05. Review status: criteria provided, single submitter. Criteria: Quest Diagnostics criteria. Collection method: clinical testing. Allele origin: unknown.
Comment: The BRCA2 c.8944A>C (p.Lys2982Gln) variant has been reported in the published literature in individuals with a personal and/or family history of breast and/or ovarian cancer (PMIDs: 28364669 (2017), 28111427 (2017), 30982232 (2019), 31159747 (2019), 31907386 (2020), 33471991 (2021) see also LOVD), as well as reportedly healthy individuals (PMIDs: 32467295 (2020), 33471991 (2021) see also LOVD). The frequency of this variant in the general population, 0.000099 (3/30264 chromosomes (Genome Aggregation Database)), is uninformative in the assessment of its pathogenicity. Analysis of this variant using bioinformatics tools for the prediction of the effect of amino acid changes on protein structure and function yielded predictions that this variant is benign. Based on the available information, we are unable to determine the clinical significance of this variant.

Ambry Genetics
Classification: Uncertain significance for Hereditary cancer-predisposing syndrome. Last evaluated: 2024-09-12. Review status: criteria provided, single submitter. Criteria: Ambry Variant Classification Scheme 2023. Collection method: clinical testing. Allele origin: germline.
Comment: The p.K2982Q variant (also known as c.8944A>C), located in coding exon 21 of the BRCA2 gene, results from an A to C substitution at nucleotide position 8944. The lysine at codon 2982 is replaced by glutamine, an amino acid with similar properties. This alteration has been reported in a cohort of 745 Korean hereditary breast and ovarian cancer (HBOC) patients (HBOC) and was called a variant of uncertain significance (Park JS et al. Cancer Res Treat, 2017 Oct;49:1012-1021). This alteration has also been reported in 1/1197 individuals from Greece, Romania, and Turkey undergoing evaluation for inherited cancer predisposition (Tsaousis GN et al. BMC Cancer, 2019 Jun;19:535). This amino acid position is not well conserved in available vertebrate species. In addition, the in silico prediction for this alteration is inconclusive. Based on the available evidence, the clinical significance of this variant remains unclear.

Women's Health and Genetics/Laboratory Corporation of America, LabCorp
Classification: Uncertain significance. Last evaluated: 2024-08-01. Review status: criteria provided, single submitter. Criteria: LabCorp Variant Classification Summary - May 2015. Collection method: clinical testing. Allele origin: germline.
Comment: Variant summary: BRCA2 c.8944A>C (p.Lys2982Gln) results in a conservative amino acid change located in the BRCA2, OB2 domain (IPR048262) of the encoded protein sequence. Four of five in-silico tools predict a benign effect of the variant on protein function. The variant allele was found at a frequency of 3.6e-05 in 248098 control chromosomes. The available data on variant occurrences in the general population are insufficient to allow any conclusion about variant significance. c.8944A>C has been reported in the literature in individuals affected with Hereditary Breast And Ovarian Cancer Syndrome (Kim_2020, Tsaousis_2019, Wang_2019). These report(s) do not provide unequivocal conclusions about association of the variant with Hereditary Breast And Ovarian Cancer Syndrome. To our knowledge, no experimental evidence demonstrating an impact on protein function has been reported.The following publications have been ascertained in the context of this evaluation (PMID: 31907386, 31159747, 30982232). ClinVar contains an entry for this variant (Variation ID: 52705). Based on the evidence outlined above, the variant was classified as uncertain significance.

Baylor Genetics
Classification: Uncertain significance for Familial cancer of breast. Last evaluated: 2024-02-18. Review status: criteria provided, single submitter. Criteria: ACMG Guidelines, 2015. Collection method: clinical testing. Allele origin: unknown.

Color Diagnostics, LLC DBA Color Health
Classification: Likely benign for Hereditary cancer-predisposing syndrome. Last evaluated: 2021-06-10. Review status: criteria provided, single submitter. Criteria: ACMG Guidelines, 2015. Collection method: clinical testing. Allele origin: germline.

GeneKor MSA
Classification: Uncertain significance for Hereditary cancer-predisposing syndrome. Last evaluated: 2018-08-01. Review status: criteria provided, single submitter. Criteria: ACMG Guidelines, 2015. Collection method: clinical testing. Allele origin: germline. Affected: yes.

Genetic Services Laboratory, University of Chicago
Classification: Uncertain significance. Last evaluated: 2017-12-28. Review status: criteria provided, single submitter. Criteria: ACMG Guidelines, 2015. Collection method: clinical testing. Allele origin: germline. Affected: no.

BRCAlab, Lund University
Classification: Uncertain significance for Breast-ovarian cancer, familial, susceptibility to, 2. Last evaluated: 2020-03-02. Review status: no assertion criteria provided. Collection method: clinical testing. Allele origin: germline. Affected: yes. Not counted in ClinVar's aggregate classification.

Breast Cancer Information Core (BIC) (BRCA2)
Classification: Uncertain significance for Breast-ovarian cancer, familial 2. Last evaluated: 2003-12-23. Review status: no assertion criteria provided. Collection method: clinical testing. Allele origin: germline. Affected: yes. Observed: 1 variant allele. Not counted in ClinVar's aggregate classification.

Literature cited by the submitters: PubMed 19043619 (cited by Quest Diagnostics Nichols Institute San Juan Capistrano and Ambry Genetics); PubMed 28364669 (cited by Quest Diagnostics Nichols Institute San Juan Capistrano); PubMed 28111427 (cited by Quest Diagnostics Nichols Institute San Juan Capistrano and Ambry Genetics); PubMed 30415210 (cited by Quest Diagnostics Nichols Institute San Juan Capistrano); PubMed 28726806 (cited by Quest Diagnostics Nichols Institute San Juan Capistrano); PubMed 33471991 (cited by Quest Diagnostics Nichols Institute San Juan Capistrano); PubMed 31907386 (cited by Quest Diagnostics Nichols Institute San Juan Capistrano and Women's Health and Genetics/Laboratory Corporation of America, LabCorp); PubMed 31159747 (cited by 3 submitters); PubMed 30982232 (cited by Quest Diagnostics Nichols Institute San Juan Capistrano and Women's Health and Genetics/Laboratory Corporation of America, LabCorp); PubMed 32467295 (cited by Quest Diagnostics Nichols Institute San Juan Capistrano).

NM_000059.4(BRCA2):c.8944A>C (p.Lys2982Gln)

Gene: BRCA2 (BRCA2 DNA repair associated; plus strand). Cytogenetic location: 13q13.1.
Variant type: single nucleotide variant.
Coding change: c.8944A>C on transcript NM_000059.4 (MANE Select); coding-DNA position 8944, A replaced by C.
Protein change: p.Lys2982Gln; replaces lysine 2982 with glutamine.
Molecular consequence: missense variant.
Genome position (GRCh38, 1-based): chr13:32,379,506, A>C. VCF-style: chr13-32379506-A-C. GRCh37 (hg19) VCF-style: chr13-32953643-A-C.
Other names: short protein forms K2982Q.
Identifiers: ClinVar variation 52705 (VCV000052705.28), dbSNP rs80359145, ClinGen allele CA025882.